The following is an entry in ClinVar:

ClinVar aggregate classification (germline): Uncertain significance (1 of 4 stars; one submission).

gnomAD v4.1: 1 of 1,614,054 alleles (0.000062%); highest among the groups gnomAD compares: South Asian, 0.0011%; no homozygotes.

Submission:

Labcorp Genetics (formerly Invitae), Labcorp
Classification: Uncertain significance. Last evaluated: 2025-09-30. Review status: criteria provided, single submitter. Criteria: Invitae Variant Classification Sherloc (09022015). Collection method: clinical testing. Allele origin: germline.
Comment: This sequence change replaces arginine, which is basic and polar, with methionine, which is neutral and non-polar, at codon 1215 of the WNK4 protein (p.Arg1215Met). This variant is present in population databases (rs568558626, gnomAD 0.003%). This variant has not been reported in the literature in individuals affected with WNK4-related conditions. Invitae Evidence Modeling of protein sequence and biophysical properties (such as structural, functional, and spatial information, amino acid conservation, physicochemical variation, residue mobility, and thermodynamic stability) indicates that this missense variant is not expected to disrupt WNK4 protein function with a negative predictive value of 95%. In summary, the available evidence is currently insufficient to determine the role of this variant in disease. Therefore, it has been classified as a Variant of Uncertain Significance.

NM_032387.5(WNK4):c.3644G>T (p.Arg1215Met)

Gene: WNK4 (WNK lysine deficient protein kinase 4; plus strand). Cytogenetic location: 17q21.2.
Variant type: single nucleotide variant.
Coding change: c.3644G>T on transcript NM_032387.5 (MANE Select); coding-DNA position 3644, G replaced by T.
Protein change: p.Arg1215Met; replaces arginine 1215 with methionine.
Molecular consequence: missense variant.
Genome position (GRCh38, 1-based): chr17:42,796,493, G>T. VCF-style: chr17-42796493-G-T. GRCh37 (hg19) VCF-style: chr17-40948511-G-T.
Other names: c.2636G>T, p.Arg879Met (NM_001321299.2); short protein forms R1215M, R879M.
Identifiers: ClinVar variation 4796990 (VCV004796990.1).